The following is an entry in ClinVar:

ClinVar aggregate classification (germline): Likely benign. Review status: criteria provided, multiple submitters, no conflicts (2 of 4 stars). 5 submissions from 5 submitters: Likely benign (4). 1 of the submissions does not count toward it. Last evaluated 2025-11-25.

Conditions:
Hypertrophic cardiomyopathy. Also called: HYPERTROPHIC MYOCARDIOPATHY. Identifiers: Orphanet 217569, MedGen C0007194, MeSH D002312, MONDO:0005045, HP:0001639.
MYBPC3-related disorder. Also called: MYBPC3-related condition; MYBPC3-related disease; MYBPC3-related disorders.

Allele frequency attached by ClinVar (database versions not stated): TOPMed 0.00010; gnomAD 0.00013; 1000 Genomes Project 30x 0.00016; 1000 Genomes Project 0.00020.
gnomAD v4.1: 24 of 1,596,894 alleles (0.0015%); highest among the groups gnomAD compares: African/African-American, 0.029%; no homozygotes.

Submissions (5):

Labcorp Genetics (formerly Invitae), Labcorp
Classification: Likely benign for Hypertrophic cardiomyopathy. Last evaluated: 2025-11-25. Review status: criteria provided, single submitter. Criteria: Invitae Variant Classification Sherloc (09022015). Collection method: clinical testing. Allele origin: germline.

PreventionGenetics, part of Exact Sciences
Classification: Likely benign for MYBPC3-related condition. Last evaluated: 2025-11-04. Review status: criteria provided, single submitter. Criteria: ACMG Guidelines, 2015. Collection method: clinical testing. Allele origin: germline.
Comment: This variant is classified as likely benign based on ACMG/AMP sequence variant interpretation guidelines (Richards et al. 2015 PMID: 25741868, with internal and published modifications).

ARUP Laboratories, Molecular Genetics and Genomics, ARUP Laboratories
Classification: Likely benign. Last evaluated: 2022-04-08. Review status: criteria provided, single submitter. Criteria: ARUP Molecular Germline Variant Investigation Process 2021. Collection method: clinical testing. Allele origin: germline.

GeneDx
Classification: Likely benign. Last evaluated: 2018-04-24. Review status: criteria provided, single submitter. Criteria: GeneDx Variant Classification Process June 2021. Collection method: clinical testing. Allele origin: germline. Affected: yes.

Cohesion Phenomics
Classification: Likely benign for Hypertrophic Cardiomyopathy. Last evaluated: 2022-09-27. Review status: no assertion criteria provided. Criteria: ACMG Guidelines, 2015. Collection method: clinical testing. Allele origin: germline. Affected: yes. Not counted in ClinVar's aggregate classification.

NM_000256.3(MYBPC3):c.772+9G>T

Gene: MYBPC3 (myosin binding protein C3; minus strand). Cytogenetic location: 11p11.2.
Variant type: single nucleotide variant.
Coding change: c.772+9G>T on transcript NM_000256.3 (MANE Select); 9 bases into the intron after coding-DNA position 772, G replaced by T.
Molecular consequence: intron variant.
Genome position (GRCh38, 1-based): chr11:47,348,415, C>A on the plus strand (G>T on the coding strand, the complement: MYBPC3 is on the minus strand). VCF-style: chr11-47348415-C-A. GRCh37 (hg19) VCF-style: chr11-47369966-C-A.
Identifiers: ClinVar variation 378190 (VCV000378190.19), dbSNP rs566339669, ClinGen allele CA056748.